The following is an entry in ClinVar:

NM_183357.3(ADCY5):c.544_564del (p.Glu182_Gly188del)

Gene: ADCY5 (adenylate cyclase 5; minus strand). Cytogenetic location: 3q21.1.
Variant type: Deletion.
Coding change: c.544_564del on transcript NM_183357.3 (MANE Select); coding-DNA positions 544 to 564, 21 bases deleted (GAGGGGTCCGGGGATGGCGGC).
Protein change: p.Glu182_Gly188del.
Molecular consequence: inframe deletion.
Genome position (GRCh38, 1-based): chr3:123,447,982-123,448,002, GCCGCCATCCCCGGACCCCTC deleted on the plus strand (GAGGGGTCCGGGGATGGCGGC on the coding strand, the reverse complement: ADCY5 is on the minus strand); deleting any 21 consecutive bases within chr3:123,447,982-123,448,008 gives the same sequence; the c. name uses the placement nearest the transcript's 3' end. VCF-style (leftmost placement, unchanged base first): chr3-123447981-TGCCGCCATCCCCGGACCCCTC-T. GRCh37 (hg19) VCF-style: chr3-123166828-TGCCGCCATCCCCGGACCCCTC-T.
Other names: c.544_564del, p.Glu182_Gly188del (NM_001378259.1).
Identifiers: ClinVar variation 4855649 (VCV004855649.1).
Genomic context (GRCh38, chr3:123,447,981, plus strand): 5'-AGCAGGCGCCCAGGGACAGCACCGCGCCGGGCCCCGCGCCCGAGCCCGAGTCCGCCGAGC[TGCCGCCATCCCCGGACCCCTC>T]GCCGCCCTCGACGGCGCCGGCCTCCAGCTCGTCGGCCGCGCGCCCCTTGCCCCGCCGCTC-3'

ClinVar aggregate classification (germline): Uncertain significance (1 of 4 stars; one submission).

Conditions:
Dyskinesia with orofacial involvement, autosomal dominant (DSKOD). Also called: Familial dyskinesia and facial myokymia; Dyskinesia, familial, with facial myokymia; Familial Dyskinesia with Facial Myokymia (FDFM). Identifiers: Orphanet 324588, MedGen C1847627, MONDO:0800028, OMIM 606703.

Submission:

3billion
Classification: Uncertain significance for Dyskinesia with orofacial involvement, autosomal dominant. Last evaluated: 2025-05-07. Review status: criteria provided, single submitter. Criteria: ACMG Guidelines, 2015. Collection method: clinical testing. Allele origin: germline. Affected: yes.
Comment: The variant is not observed in the gnomAD v4.1.0 dataset. Predicted Consequence/Location: Inframe deletion located in a nonrepeat region: predicted to change the length of the protein and disrupt normal protein function. Therefore, this variant is classified as VUS according to the recommendation of ACMG/AMP guideline.